The following is an entry in ClinVar:

NM_000718.4(CACNA1B):c.2678G>A (p.Ser893Asn)

Gene: CACNA1B (calcium voltage-gated channel subunit alpha1 B; plus strand). Cytogenetic location: 9q34.3.
Variant type: single nucleotide variant.
Coding change: c.2678G>A on transcript NM_000718.4 (MANE Select); coding-DNA position 2678, G replaced by A.
Protein change: p.Ser893Asn; replaces serine 893 with asparagine.
Molecular consequence: missense variant.
Genome position (GRCh38, 1-based): chr9:138,023,421, G>A. VCF-style: chr9-138023421-G-A. GRCh37 (hg19) VCF-style: chr9-140917873-G-A.
Other names: c.2678G>A, p.Ser893Asn (NM_001243812.2); short protein forms S893N.
Identifiers: ClinVar variation 1985116 (VCV001985116.1), dbSNP rs1449478863, ClinGen allele CA375809903.

ClinVar aggregate classification (germline): Uncertain significance (1 of 4 stars; one submission).

Allele frequency attached by ClinVar (database versions not stated): TOPMed below 0.00001; gnomAD 0.00001.

Submission:

Labcorp Genetics (formerly Invitae), Labcorp
Classification: Uncertain significance. Last evaluated: 2022-06-15. Review status: criteria provided, single submitter. Criteria: Invitae Variant Classification Sherloc (09022015). Collection method: clinical testing. Allele origin: germline.
Comment: This sequence change replaces serine, which is neutral and polar, with asparagine, which is neutral and polar, at codon 893 of the CACNA1B protein (p.Ser893Asn). The frequency data for this variant in the population databases is considered unreliable, as metrics indicate insufficient coverage at this position in the gnomAD database. This variant has not been reported in the literature in individuals affected with CACNA1B-related conditions. Advanced modeling of protein sequence and biophysical properties (such as structural, functional, and spatial information, amino acid conservation, physicochemical variation, residue mobility, and thermodynamic stability) performed at Invitae indicates that this missense variant is not expected to disrupt CACNA1B protein function. In summary, the available evidence is currently insufficient to determine the role of this variant in disease. Therefore, it has been classified as a Variant of Uncertain Significance.